The following is an entry in ClinVar:

ClinVar aggregate classification (germline): Uncertain significance (1 of 4 stars; one submission).

Submission:

Labcorp Genetics (formerly Invitae), Labcorp
Classification: Uncertain significance. Last evaluated: 2024-12-07. Review status: criteria provided, single submitter. Criteria: Invitae Variant Classification Sherloc (09022015). Collection method: clinical testing. Allele origin: germline.
Comment: This sequence change affects codon 520 of the MARS2 mRNA. It is a 'silent' change, meaning that it does not change the encoded amino acid sequence of the MARS2 protein. This variant is not present in population databases (gnomAD no frequency). This variant has not been reported in the literature in individuals affected with MARS2-related conditions. In summary, the available evidence is currently insufficient to determine the role of this variant in disease. Therefore, it has been classified as a Variant of Uncertain Significance.

NM_138395.4(MARS2):c.1560T>C (p.Phe520=)

Gene: MARS2 (methionyl-tRNA synthetase 2, mitochondrial; plus strand). Cytogenetic location: 2q33.1.
Variant type: single nucleotide variant.
Coding change: c.1560T>C on transcript NM_138395.4 (MANE Select); coding-DNA position 1560, T replaced by C.
Protein change: p.Phe520=; no amino-acid change (phenylalanine 520 retained).
Molecular consequence: synonymous variant.
Genome position (GRCh38, 1-based): chr2:197,706,965, T>C. VCF-style: chr2-197706965-T-C. GRCh37 (hg19) VCF-style: chr2-198571689-T-C.
Identifiers: ClinVar variation 3669217 (VCV003669217.2).